The following is an entry in ClinVar:

NM_024312.5(GNPTAB):c.69C>T (p.Cys23=)

Gene: GNPTAB (N-acetylglucosamine-1-phosphate transferase subunits alpha and beta; minus strand). Cytogenetic location: 12q23.2.
Variant type: single nucleotide variant.
Coding change: c.69C>T on transcript NM_024312.5 (MANE Select); coding-DNA position 69, C replaced by T.
Protein change: p.Cys23=; no amino-acid change (cysteine 23 retained).
Molecular consequence: synonymous variant.
Genome position (GRCh38, 1-based): chr12:101,830,607, G>A on the plus strand (C>T on the coding strand, the complement: GNPTAB is on the minus strand). VCF-style: chr12-101830607-G-A. GRCh37 (hg19) VCF-style: chr12-102224385-G-A.
Identifiers: ClinVar variation 2643242 (VCV002643242.24), dbSNP rs2547989528, ClinGen allele CA481347114.

ClinVar aggregate classification (germline): Likely benign (1 of 4 stars; one submission).

Submission:

CeGaT Center for Human Genetics Tuebingen
Classification: Likely benign. Last evaluated: 2023-03-01. Review status: criteria provided, single submitter. Criteria: CeGaT Center For Human Genetics Tuebingen Variant Classification Criteria Version 2. Collection method: clinical testing. Allele origin: germline. Affected: yes. Observed: 1 variant allele.
Comment: GNPTAB: PM2:Supporting, BP4, BP7